The following is an entry in ClinVar:

ClinVar aggregate classification (germline): Uncertain significance (1 of 4 stars; one submission).

Conditions:
Developmental and epileptic encephalopathy, 11 (DEE11). Also called: Early infantile epileptic encephalopathy 11. Identifiers: Orphanet 1934, MedGen C3150987, MONDO:0013388, OMIM 613721.
Seizures, benign familial infantile, 3 (BFIS3). Also called: CONVULSIONS, BENIGN FAMILIAL INFANTILE, 3; Familial neonatal seizures. Identifiers: Orphanet 140927, Orphanet 306, MedGen C1843140, MONDO:0011904, OMIM 607745.

Submission:

Labcorp Genetics (formerly Invitae), Labcorp
Classification: Uncertain significance for Seizures, benign familial infantile, 3; Developmental and epileptic encephalopathy, 11. Last evaluated: 2025-08-09. Review status: criteria provided, single submitter. Criteria: Invitae Variant Classification Sherloc (09022015). Collection method: clinical testing. Allele origin: germline.
Comment: This sequence change replaces isoleucine, which is neutral and non-polar, with arginine, which is basic and polar, at codon 1252 of the SCN2A protein (p.Ile1252Arg). This variant is not present in population databases (gnomAD no frequency). This variant has not been reported in the literature in individuals affected with SCN2A-related conditions. Invitae Evidence Modeling of protein sequence and biophysical properties (such as structural, functional, and spatial information, amino acid conservation, physicochemical variation, residue mobility, and thermodynamic stability) indicates that this missense variant is expected to disrupt SCN2A protein function with a positive predictive value of 95%. Algorithms developed to predict the effect of sequence changes on RNA splicing suggest that this variant may create or strengthen a splice site. In summary, the available evidence is currently insufficient to determine the role of this variant in disease. Therefore, it has been classified as a Variant of Uncertain Significance.

NM_001040142.2(SCN2A):c.3755T>G (p.Ile1252Arg)

Gene: SCN2A (sodium voltage-gated channel alpha subunit 2; plus strand). Cytogenetic location: 2q24.3.
Variant type: single nucleotide variant.
Coding change: c.3755T>G on transcript NM_001040142.2 (MANE Select); coding-DNA position 3755, T replaced by G.
Protein change: p.Ile1252Arg; replaces isoleucine 1252 with arginine.
Molecular consequence: missense variant.
Genome position (GRCh38, 1-based): chr2:165,370,205, T>G. VCF-style: chr2-165370205-T-G. GRCh37 (hg19) VCF-style: chr2-166226715-T-G.
Other names: c.3755T>G, p.Ile1252Arg (NM_001040143.2, NM_001371246.1, NM_001371247.1 and 1 more transcripts); short protein forms I1252R.
Identifiers: ClinVar variation 4789348 (VCV004789348.1).
Genomic context (GRCh38, chr2:165,370,205, plus strand): 5'-TTGAGCAGCGAAAAACCATTAAGACCATGTTAGAATATGCTGACAAGGTTTTCACTTACA[T>G]ATTCATTCTGGAAATGCTGCTAAAGTGGGTTGCATATGGTTTTCAAGTGTATTTTACCAA-3'
Protein context (NP_001035232.1, residues 1242-1262): LEYADKVFTY[Ile1252Arg]FILEMLLKWV